The following is an entry in ClinVar:

NM_006231.4(POLE):c.4009A>G (p.Ser1337Gly)

Gene: POLE (DNA polymerase epsilon, catalytic subunit; minus strand). Cytogenetic location: 12q24.33.
Variant type: single nucleotide variant.
Coding change: c.4009A>G on transcript NM_006231.4 (MANE Select); coding-DNA position 4009, A replaced by G.
Protein change: p.Ser1337Gly; replaces serine 1337 with glycine.
Molecular consequence: missense variant.
Genome position (GRCh38, 1-based): chr12:132,649,069, T>C on the plus strand (A>G on the coding strand, the complement: POLE is on the minus strand). VCF-style: chr12-132649069-T-C. GRCh37 (hg19) VCF-style: chr12-133225655-T-C.
Other names: short protein forms S1337G.
Identifiers: ClinVar variation 1438038 (VCV001438038.6), dbSNP rs2138600404, ClinGen allele CA387384042.

ClinVar aggregate classification (germline): Uncertain significance (1 of 4 stars; one submission).

Submission:

Labcorp Genetics (formerly Invitae), Labcorp
Classification: Uncertain significance. Last evaluated: 2021-09-15. Review status: criteria provided, single submitter. Criteria: Invitae Variant Classification Sherloc (09022015). Collection method: clinical testing. Allele origin: germline.
Comment: In summary, the available evidence is currently insufficient to determine the role of this variant in disease. Therefore, it has been classified as a Variant of Uncertain Significance. Algorithms developed to predict the effect of missense changes on protein structure and function (SIFT, PolyPhen-2, Align-GVGD) all suggest that this variant is likely to be tolerated. This variant has not been reported in the literature in individuals affected with POLE-related conditions. This variant is not present in population databases (ExAC no frequency). This sequence change replaces serine with glycine at codon 1337 of the POLE protein (p.Ser1337Gly). The serine residue is weakly conserved and there is a small physicochemical difference between serine and glycine.